The following is an entry in ClinVar:

NM_001905.4(CTPS1):c.1449+3G>A

Gene: CTPS1 (CTP synthase 1; plus strand). Cytogenetic location: 1p34.2.
Variant type: single nucleotide variant.
Coding change: c.1449+3G>A on transcript NM_001905.4 (MANE Select); 3 bases into the intron after coding-DNA position 1449, G replaced by A.
Molecular consequence: intron variant. On other transcripts: non-coding transcript variant (1).
Genome position (GRCh38, 1-based): chr1:41,008,717, G>A. VCF-style: chr1-41008717-G-A. GRCh37 (hg19) VCF-style: chr1-41474389-G-A.
Other names: c.981+3G>A (NM_001301237.2).
Identifiers: ClinVar variation 1994123 (VCV001994123.4), dbSNP rs2524359124, ClinGen allele CA2580062758.

ClinVar aggregate classification (germline): Uncertain significance (1 of 4 stars; one submission).

Conditions:
Combined immunodeficiency due to CTPS1 deficiency. Also called: Immunodeficiency 24; Severe combined immunodeficiency due to CTPS1 deficiency. Identifiers: Orphanet 420573, MedGen C4014617, MONDO:0014391, OMIM 615897.

Submission:

Labcorp Genetics (formerly Invitae), Labcorp
Classification: Uncertain significance for Combined immunodeficiency due to CTPS1 deficiency. Last evaluated: 2022-05-21. Review status: criteria provided, single submitter. Criteria: Invitae Variant Classification Sherloc (09022015). Collection method: clinical testing. Allele origin: germline.
Comment: Variants that disrupt the consensus splice site are a relatively common cause of aberrant splicing (PMID: 17576681, 9536098). Algorithms developed to predict the effect of sequence changes on RNA splicing suggest that this variant is not likely to affect RNA splicing. This variant has not been reported in the literature in individuals affected with CTPS1-related conditions. This variant is not present in population databases (gnomAD no frequency). This sequence change falls in intron 15 of the CTPS1 gene. It does not directly change the encoded amino acid sequence of the CTPS1 protein. It affects a nucleotide within the consensus splice site. In summary, the available evidence is currently insufficient to determine the role of this variant in disease. Therefore, it has been classified as a Variant of Uncertain Significance.

Literature cited by the submitters: PubMed 17576681; PubMed 9536098.